The following is an entry in ClinVar:

NM_021008.4(DEAF1):c.952T>G (p.Ser318Ala)

Gene: DEAF1 (DEAF1 transcription factor; minus strand). Cytogenetic location: 11p15.5.
Variant type: single nucleotide variant.
Coding change: c.952T>G on transcript NM_021008.4 (MANE Select); coding-DNA position 952, T replaced by G.
Protein change: p.Ser318Ala; replaces serine 318 with alanine.
Molecular consequence: missense variant. On other transcripts: intron variant (1).
Genome position (GRCh38, 1-based): chr11:681,008, A>C on the plus strand (T>G on the coding strand, the complement: DEAF1 is on the minus strand). VCF-style: chr11-681008-A-C. GRCh37 (hg19) VCF-style: chr11-681008-A-C.
Other names: c.226T>G, p.Ser76Ala (NM_001367390.1, NM_001440885.1, NM_001440886.1 and 1 more transcripts); c.952T>G, p.Ser318Ala (NM_001440883.1, NM_001440884.1); c.731-1192T>G (NM_001293634.2); short protein forms S318A, S76A.
Identifiers: ClinVar variation 3001653 (VCV003001653.5), dbSNP rs746105741, ClinGen allele CA5786388.

ClinVar aggregate classification (germline): Uncertain significance. Review status: criteria provided, multiple submitters, no conflicts (2 of 4 stars). 3 submissions from 3 submitters: Uncertain significance (3). Last evaluated 2025-11-10.

Conditions:
Inborn genetic diseases. Identifiers: MedGen C0950123, MeSH D030342.

Allele frequency attached by ClinVar (database versions not stated): ExAC 0.00001; gnomAD exomes 0.00001.
gnomAD v4.1: 3 of 1,613,952 alleles (0.00019%); highest among the groups gnomAD compares: Admixed American, 0.0033%; no homozygotes.

Submissions (3):

Labcorp Genetics (formerly Invitae), Labcorp
Classification: Uncertain significance. Last evaluated: 2025-11-10. Review status: criteria provided, single submitter. Criteria: Invitae Variant Classification Sherloc (09022015). Collection method: clinical testing. Allele origin: germline.
Comment: This sequence change replaces serine, which is neutral and polar, with alanine, which is neutral and non-polar, at codon 318 of the DEAF1 protein (p.Ser318Ala). This variant is present in population databases (rs746105741, gnomAD 0.003%). This variant has not been reported in the literature in individuals affected with DEAF1-related conditions. ClinVar contains an entry for this variant (Variation ID: 3001653). Invitae Evidence Modeling of protein sequence and biophysical properties (such as structural, functional, and spatial information, amino acid conservation, physicochemical variation, residue mobility, and thermodynamic stability) indicates that this missense variant is not expected to disrupt DEAF1 protein function with a negative predictive value of 95%. In summary, the available evidence is currently insufficient to determine the role of this variant in disease. Therefore, it has been classified as a Variant of Uncertain Significance.

GeneDx
Classification: Uncertain significance. Last evaluated: 2024-05-12. Review status: criteria provided, single submitter. Criteria: GeneDx Variant Classification Process June 2021. Collection method: clinical testing. Allele origin: germline. Affected: yes.
Comment: In silico analysis indicates that this missense variant does not alter protein structure/function; Has not been previously published as pathogenic or benign to our knowledge

Ambry Genetics
Classification: Uncertain significance for Inborn genetic diseases. Last evaluated: 2024-02-13. Review status: criteria provided, single submitter. Criteria: Ambry Variant Classification Scheme 2023. Collection method: clinical testing. Allele origin: germline.